The following is an entry in ClinVar:

ClinVar aggregate classification (germline): Likely benign (1 of 4 stars; one submission).

gnomAD v4.1: 3 of 1,612,762 alleles (0.00019%); highest among the groups gnomAD compares: East Asian, 0.0022%; no homozygotes.

Submission:

CeGaT Center for Human Genetics Tuebingen
Classification: Likely benign. Last evaluated: 2026-01-01. Review status: criteria provided, single submitter. Criteria: CeGaT Center For Human Genetics Tuebingen Variant Classification Criteria Version 2. Collection method: clinical testing. Allele origin: germline. Affected: yes. Observed: 1 variant allele.
Comment: STAMBP: BP4, BP7

NM_213622.4(STAMBP):c.831G>A (p.Arg277=)

Gene: STAMBP (STAM binding protein; plus strand). Cytogenetic location: 2p13.1.
Variant type: single nucleotide variant.
Coding change: c.831G>A on transcript NM_213622.4 (MANE Select); coding-DNA position 831, G replaced by A.
Protein change: p.Arg277=; no amino-acid change (arginine 277 retained).
Molecular consequence: synonymous variant. On other transcripts: non-coding transcript variant (4).
Genome position (GRCh38, 1-based): chr2:73,849,451, G>A. VCF-style: chr2-73849451-G-A. GRCh37 (hg19) VCF-style: chr2-74076578-G-A.
Other names: c.426G>A, p.Arg142= (NM_001353976.2, NM_001353971.2, NM_001353972.2 and 3 more transcripts); c.831G>A, p.Arg277= (NM_001438900.1, NM_001438901.1, NM_001438902.1 and 7 more transcripts).
Identifiers: ClinVar variation 4822713 (VCV004822713.4).